The following is an entry in ClinVar:

NM_213606.4(SLC16A12):c.1230G>A (p.Ala410=)

Gene: SLC16A12 (solute carrier family 16 member 12; minus strand). Cytogenetic location: 10q23.31.
Variant type: single nucleotide variant.
Coding change: c.1230G>A on transcript NM_213606.4 (MANE Select); coding-DNA position 1230, G replaced by A.
Protein change: p.Ala410=; no amino-acid change (alanine 410 retained).
Molecular consequence: synonymous variant.
Genome position (GRCh38, 1-based): chr10:89,436,118, C>T on the plus strand (G>A on the coding strand, the complement: SLC16A12 is on the minus strand). VCF-style: chr10-89436118-C-T. GRCh37 (hg19) VCF-style: chr10-91195875-C-T.
Identifiers: ClinVar variation 3060138 (VCV003060138.2), dbSNP rs748432746, ClinGen allele CA5595360.
Genomic context (GRCh38, chr10:89,436,118, plus strand): 5'-ACCTGCGATGGGTGGGCTCACCAAGTATGGCACTGCGTGAAGGAAGTATACCACACCAAG[C>T]GCTGATGACAAAGAGGTGGTCCCCACTATCTCTGTGGTCACTACTGGGATCAAAGTCACA-3'
Protein context (NP_998771.3, residues 400-420): EIVGTTSLSS[Ala410=]LGVVYFLHAV

ClinVar aggregate classification (germline): Likely benign (0 of 4 stars; one submission).

Conditions:
SLC16A12-related disorder. Also called: SLC16A12-related condition.

Allele frequency attached by ClinVar (database versions not stated): ExAC 0.00002.
gnomAD v4.1: 30 of 1,613,812 alleles (0.0019%); highest among the groups gnomAD compares: Middle Eastern, 0.016%; no homozygotes.

Submission:

PreventionGenetics, part of Exact Sciences
Classification: Likely benign for SLC16A12-related condition. Last evaluated: 2022-10-21. Review status: no assertion criteria provided. Collection method: clinical testing. Allele origin: germline.
Comment: This variant is classified as likely benign based on ACMG/AMP sequence variant interpretation guidelines (Richards et al. 2015 PMID: 25741868, with internal and published modifications).